The following is an entry in ClinVar:

ClinVar aggregate classification (germline): Uncertain significance (1 of 4 stars; one submission).

Conditions:
Mosaic variegated aneuploidy syndrome 1 (MVA1). Also called: Warburton-Anyane-Yeboa syndrome. Identifiers: Orphanet 1052, MedGen C1850343, MONDO:0009759, OMIM 257300.

gnomAD v4.1: 1 of 1,614,016 alleles (0.000062%); highest among the groups gnomAD compares: Non-Finnish European, 0.000085%; no homozygotes.

Submission:

Labcorp Genetics (formerly Invitae), Labcorp
Classification: Uncertain significance for Mosaic variegated aneuploidy syndrome 1. Last evaluated: 2024-10-02. Review status: criteria provided, single submitter. Criteria: Invitae Variant Classification Sherloc (09022015). Collection method: clinical testing. Allele origin: germline.
Comment: This sequence change replaces lysine, which is basic and polar, with threonine, which is neutral and polar, at codon 250 of the BUB1B protein (p.Lys250Thr). This variant is not present in population databases (gnomAD no frequency). This variant has not been reported in the literature in individuals affected with BUB1B-related conditions. An algorithm developed to predict the effect of missense changes on protein structure and function (PolyPhen-2) suggests that this variant is likely to be disruptive. In summary, the available evidence is currently insufficient to determine the role of this variant in disease. Therefore, it has been classified as a Variant of Uncertain Significance.

NM_001211.6(BUB1B):c.749A>C (p.Lys250Thr)

Gene: BUB1B (BUB1 mitotic checkpoint serine/threonine kinase B; plus strand). Cytogenetic location: 15q15.1.
Variant type: single nucleotide variant.
Coding change: c.749A>C on transcript NM_001211.6 (MANE Select); coding-DNA position 749, A replaced by C.
Protein change: p.Lys250Thr; replaces lysine 250 with threonine.
Molecular consequence: missense variant.
Genome position (GRCh38, 1-based): chr15:40,183,881, A>C. VCF-style: chr15-40183881-A-C. GRCh37 (hg19) VCF-style: chr15-40476082-A-C.
Other names: short protein forms K250T.
Identifiers: ClinVar variation 3721689 (VCV003721689.2).